The following is an entry in ClinVar:

ClinVar aggregate classification (germline): Uncertain significance (1 of 4 stars; one submission).

Conditions:
Charcot-Marie-Tooth disease dominant intermediate B (CMTDIB). Also called: Charcot-Marie-Tooth disease dominant intermediate 1; CMT DI1; Charcot-Marie-Tooth disease dominant intermediate I; CHARCOT-MARIE-TOOTH NEUROPATHY, DOMINANT INTERMEDIATE B. Identifiers: Orphanet 100044, Orphanet 228179, MedGen C1847902, MONDO:0011674, OMIM 606482.

Submission:

Labcorp Genetics (formerly Invitae), Labcorp
Classification: Uncertain significance for Charcot-Marie-Tooth disease dominant intermediate B. Last evaluated: 2023-01-23. Review status: criteria provided, single submitter. Criteria: Invitae Variant Classification Sherloc (09022015). Collection method: clinical testing. Allele origin: germline.
Comment: In summary, the available evidence is currently insufficient to determine the role of this variant in disease. Therefore, it has been classified as a Variant of Uncertain Significance. Advanced modeling of protein sequence and biophysical properties (such as structural, functional, and spatial information, amino acid conservation, physicochemical variation, residue mobility, and thermodynamic stability) has been performed at Invitae for this missense variant, however the output from this modeling did not meet the statistical confidence thresholds required to predict the impact of this variant on DNM2 protein function. ClinVar contains an entry for this variant (Variation ID: 1715857). This missense change has been observed in at least one individual who was not affected with DNM2-related conditions (Invitae). This variant has not been reported in the literature in individuals affected with DNM2-related conditions. This variant is not present in population databases (gnomAD no frequency). This sequence change replaces lysine, which is basic and polar, with asparagine, which is neutral and polar, at codon 508 of the DNM2 protein (p.Lys508Asn).

NM_001005361.3(DNM2):c.1524G>C (p.Lys508Asn)

Gene: DNM2 (dynamin 2; plus strand). Cytogenetic location: 19p13.2.
Variant type: single nucleotide variant.
Coding change: c.1524G>C on transcript NM_001005361.3 (MANE Select); coding-DNA position 1524, G replaced by C.
Protein change: p.Lys508Asn; replaces lysine 508 with asparagine.
Molecular consequence: missense variant.
Genome position (GRCh38, 1-based): chr19:10,805,946, G>C. VCF-style: chr19-10805946-G-C. GRCh37 (hg19) VCF-style: chr19-10916622-G-C.
Other names: c.1524G>C, p.Lys508Asn (NM_001005360.3, NM_001005362.3, NM_001190716.2 and 1 more transcripts); short protein forms K508N.
Identifiers: ClinVar variation 1715857 (VCV001715857.5), dbSNP rs2513281272, ClinGen allele CA404038796.